The following is an entry in ClinVar:

ClinVar aggregate classification (germline): Likely benign (1 of 4 stars; one submission).

gnomAD v4.1: 436 of 1,612,428 alleles (0.027%); highest among the groups gnomAD compares: Non-Finnish European, 0.028%; 1 homozygote.

Submission:

CeGaT Center for Human Genetics Tuebingen
Classification: Likely benign. Last evaluated: 2025-10-01. Review status: criteria provided, single submitter. Criteria: CeGaT Center For Human Genetics Tuebingen Variant Classification Criteria Version 2. Collection method: clinical testing. Allele origin: germline. Affected: yes. Observed: 1 variant allele.
Comment: PTPN14: BP4

NM_005401.5(PTPN14):c.175-4C>T

Gene: PTPN14 (protein tyrosine phosphatase non-receptor type 14; minus strand). Cytogenetic location: 1q41.
Variant type: single nucleotide variant.
Coding change: c.175-4C>T on transcript NM_005401.5 (MANE Select); 4 bases into the intron before coding-DNA position 175, C replaced by T.
Molecular consequence: intron variant.
Genome position (GRCh38, 1-based): chr1:214,451,978, G>A on the plus strand (C>T on the coding strand, the complement: PTPN14 is on the minus strand). VCF-style: chr1-214451978-G-A. GRCh37 (hg19) VCF-style: chr1-214625321-G-A.
Identifiers: ClinVar variation 4280823 (VCV004280823.7).